The following is an entry in ClinVar:

ClinVar aggregate classification (germline): Uncertain significance. Review status: criteria provided, multiple submitters, no conflicts (2 of 4 stars). 3 submissions from 3 submitters: Uncertain significance (3). Last evaluated 2026-03-28.

Conditions:
Knobloch syndrome (KNO). Also called: RETINAL DETACHMENT AND OCCIPITAL ENCEPHALOCELE; Myopia retinal detachment encephalocele. Identifiers: Orphanet 1571, MedGen C1849409, MONDO:0800166.
COL18A1-related disorder. Also called: COL18A1-related condition; COL18A1-related disorders.

Allele frequency attached by ClinVar (database versions not stated): gnomAD 0.00001 and 0.00002; TOPMed 0.00001; gnomAD exomes 0.00003; ExAC 0.00004; 1000 Genomes Project 30x 0.00016.
gnomAD v4.1: 22 of 1,610,326 alleles (0.0014%); highest among the groups gnomAD compares: Admixed American, 0.0033%; no homozygotes.

Submissions (3):

PreventionGenetics, part of Exact Sciences
Classification: Uncertain significance for COL18A1-related condition. Last evaluated: 2026-03-28. Review status: criteria provided, single submitter. Criteria: ACMG Guidelines, 2015. Collection method: clinical testing. Allele origin: germline.
Comment: The COL18A1 c.2969G>A variant is predicted to result in the amino acid substitution p.Arg990Gln. To our knowledge, this variant has not been reported in the literature. This variant is reported in 0.0074% of alleles in individuals of European (Non-Finnish) descent in gnomAD. At this time, the clinical significance of this variant is uncertain due to the absence of conclusive functional and genetic evidence.

Labcorp Genetics (formerly Invitae), Labcorp
Classification: Uncertain significance. Last evaluated: 2022-08-21. Review status: criteria provided, single submitter. Criteria: Invitae Variant Classification Sherloc (09022015). Collection method: clinical testing. Allele origin: germline.
Comment: This sequence change replaces arginine, which is basic and polar, with glutamine, which is neutral and polar, at codon 810 of the COL18A1 protein (p.Arg810Gln). This variant is present in population databases (rs751578852, gnomAD 0.007%). This variant has not been reported in the literature in individuals affected with COL18A1-related conditions. ClinVar contains an entry for this variant (Variation ID: 340245). Experimental studies and prediction algorithms are not available or were not evaluated, and the functional significance of this variant is currently unknown. In summary, the available evidence is currently insufficient to determine the role of this variant in disease. Therefore, it has been classified as a Variant of Uncertain Significance.

Illumina Laboratory Services, Illumina
Classification: Uncertain significance for Knobloch syndrome 1. Last evaluated: 2018-01-13. Review status: criteria provided, single submitter. Criteria: ICSL Variant Classification Criteria 13 December 2019. Collection method: clinical testing. Allele origin: germline.

NM_001379500.1(COL18A1):c.2429G>A (p.Arg810Gln)

Gene: COL18A1 (collagen type XVIII alpha 1 chain; plus strand). Cytogenetic location: 21q22.3.
Variant type: single nucleotide variant.
Coding change: c.2429G>A on transcript NM_001379500.1 (MANE Select); coding-DNA position 2429, G replaced by A.
Protein change: p.Arg810Gln; replaces arginine 810 with glutamine.
Molecular consequence: missense variant.
Genome position (GRCh38, 1-based): chr21:45,494,911, G>A. VCF-style: chr21-45494911-G-A. GRCh37 (hg19) VCF-style: chr21-46914825-G-A.
Other names: NM_130445.2:c.2429G>A; c.2969G>A, p.Arg990Gln (NM_030582.4); c.3674G>A, p.Arg1225Gln (NM_130444.3); c.2969G>A (NM_030582.3); short protein forms R990Q, R1225Q.
Identifiers: ClinVar variation 340245 (VCV000340245.8), dbSNP rs751578852, ClinGen allele CA10067081.